The following is an entry in ClinVar:

ClinVar aggregate classification (germline): Uncertain significance (1 of 4 stars; one submission).

Allele frequency attached by ClinVar (database versions not stated): ExAC 0.00001; gnomAD 0.00001; TOPMed 0.00001.
gnomAD v4.1: 26 of 1,612,752 alleles (0.0016%); highest among the groups gnomAD compares: East Asian, 0.0022%; no homozygotes.

Submission:

Ambry Genetics
Classification: Uncertain significance. Last evaluated: 2024-11-22. Review status: criteria provided, single submitter. Criteria: Ambry Variant Classification Scheme 2023. Collection method: clinical testing. Allele origin: germline.
Comment: The p.P881L variant (also known as c.2642C>T), located in coding exon 11 of the WNK2 gene, results from a C to T substitution at nucleotide position 2642. The proline at codon 881 is replaced by leucine, an amino acid with similar properties. This amino acid position is conserved. In addition, this alteration is predicted to be tolerated by in silico analysis. Based on the available evidence, the clinical significance of this variant remains unclear.

NM_006648.4(WNK2):c.2642C>T (p.Pro881Leu)

Gene: WNK2 (WNK lysine deficient protein kinase 2; plus strand). Cytogenetic location: 9q22.31.
Variant type: single nucleotide variant.
Coding change: c.2642C>T on transcript NM_006648.4 (MANE Select); coding-DNA position 2642, C replaced by T.
Protein change: p.Pro881Leu; replaces proline 881 with leucine.
Molecular consequence: missense variant.
Genome position (GRCh38, 1-based): chr9:93,259,190, C>T. VCF-style: chr9-93259190-C-T. GRCh37 (hg19) VCF-style: chr9-96021472-C-T.
Other names: c.2642C>T, p.Pro881Leu (NM_001282394.3); short protein forms P881L.
Identifiers: ClinVar variation 3190628 (VCV003190628.2), dbSNP rs759690956, ClinGen allele CA5129693.